The following is an entry in ClinVar:

ClinVar aggregate classification (germline): Uncertain significance (1 of 4 stars; one submission).

Allele frequency attached by ClinVar (database versions not stated): TOPMed 0.00002; gnomAD 0.00005; gnomAD exomes 0.00005; ExAC 0.00012; 1000 Genomes Project 0.00060; 1000 Genomes Project 30x 0.00062.
gnomAD v4.1: 87 of 1,614,140 alleles (0.0054%); highest among the groups gnomAD compares: South Asian, 0.089%; 1 homozygote.

Submission:

Labcorp Genetics (formerly Invitae), Labcorp
Classification: Uncertain significance. Last evaluated: 2022-09-19. Review status: criteria provided, single submitter. Criteria: Invitae Variant Classification Sherloc (09022015). Collection method: clinical testing. Allele origin: germline.
Comment: This sequence change replaces phenylalanine, which is neutral and non-polar, with isoleucine, which is neutral and non-polar, at codon 3776 of the DNAH9 protein (p.Phe3776Ile). This variant is present in population databases (rs561253384, gnomAD 0.07%). This variant has not been reported in the literature in individuals affected with DNAH9-related conditions. Advanced modeling of protein sequence and biophysical properties (such as structural, functional, and spatial information, amino acid conservation, physicochemical variation, residue mobility, and thermodynamic stability) performed at Invitae indicates that this missense variant is expected to disrupt DNAH9 protein function. In summary, the available evidence is currently insufficient to determine the role of this variant in disease. Therefore, it has been classified as a Variant of Uncertain Significance.

NM_001372.4(DNAH9):c.11326T>A (p.Phe3776Ile)

Gene: DNAH9 (dynein axonemal heavy chain 9; plus strand). Cytogenetic location: 17p12.
Variant type: single nucleotide variant.
Coding change: c.11326T>A on transcript NM_001372.4 (MANE Select); coding-DNA position 11326, T replaced by A.
Protein change: p.Phe3776Ile; replaces phenylalanine 3776 with isoleucine.
Molecular consequence: missense variant.
Genome position (GRCh38, 1-based): chr17:11,894,416, T>A. VCF-style: chr17-11894416-T-A. GRCh37 (hg19) VCF-style: chr17-11797733-T-A.
Other names: c.262T>A, p.Phe88Ile (NM_004662.2); short protein forms F3776I, F88I.
Identifiers: ClinVar variation 2414074 (VCV002414074.3), dbSNP rs561253384, ClinGen allele CA8397802.